The following is an entry in ClinVar:

NM_001079802.2(FKTN):c.911-2A>C

Gene: FKTN (fukutin; plus strand). Cytogenetic location: 9q31.2.
Variant type: single nucleotide variant.
Coding change: c.911-2A>C on transcript NM_001079802.2 (MANE Select); the canonical splice acceptor site of the intron before coding-DNA position 911, A replaced by C.
Molecular consequence: splice acceptor variant.
Genome position (GRCh38, 1-based): chr9:105,617,957, A>C. VCF-style: chr9-105617957-A-C. GRCh37 (hg19) VCF-style: chr9-108380238-A-C.
Other names: c.911-2A>C (NM_006731.2, NM_001351496.2, NM_001198963.2 and 1 more transcripts); c.515-2A>C (NM_001351502.2, NM_001351499.2, NM_001351500.2 and 1 more transcripts); c.842-2A>C (NM_001351497.2).
Identifiers: ClinVar variation 2029761 (VCV002029761.4), dbSNP rs2539708151, ClinGen allele CA374377371.

ClinVar aggregate classification (germline): Likely pathogenic (1 of 4 stars; one submission).

Conditions:
Walker-Warburg congenital muscular dystrophy. Also called: Muscular dystrophy-dystroglycanopathy, type A; Walker-Warburg syndrome. Identifiers: Orphanet 899, MedGen C0265221, MONDO:0000171.

Submission:

Labcorp Genetics (formerly Invitae), Labcorp
Classification: Likely pathogenic for Walker-Warburg congenital muscular dystrophy. Last evaluated: 2022-09-09. Review status: criteria provided, single submitter. Criteria: Invitae Variant Classification Sherloc (09022015). Collection method: clinical testing. Allele origin: germline.
Comment: This sequence change affects an acceptor splice site in intron 8 of the FKTN gene. It is expected to disrupt RNA splicing. Variants that disrupt the donor or acceptor splice site typically lead to a loss of protein function (PMID: 16199547), and loss-of-function variants in FKTN are known to be pathogenic (PMID: 17044012, 17878207, 18752264). This variant is not present in population databases (gnomAD no frequency). This variant has not been reported in the literature in individuals affected with FKTN-related conditions. Algorithms developed to predict the effect of sequence changes on RNA splicing suggest that this variant may disrupt the consensus splice site. In summary, the currently available evidence indicates that the variant is pathogenic, but additional data are needed to prove that conclusively. Therefore, this variant has been classified as Likely Pathogenic.

Literature cited by the submitters: PubMed 16199547; PubMed 17044012; PubMed 17878207; PubMed 18752264.